The following is an entry in ClinVar:

NM_014285.7(EXOSC2):c.19C>A (p.Leu7Ile)

Gene: EXOSC2 (exosome component 2; plus strand). Cytogenetic location: 9q34.12.
Variant type: single nucleotide variant.
Coding change: c.19C>A on transcript NM_014285.7 (MANE Select); coding-DNA position 19, C replaced by A.
Protein change: p.Leu7Ile; replaces leucine 7 with isoleucine.
Molecular consequence: missense variant. On other transcripts: non-coding transcript variant (1).
Genome position (GRCh38, 1-based): chr9:130,693,810, C>A. VCF-style: chr9-130693810-C-A. GRCh37 (hg19) VCF-style: chr9-133569197-C-A.
Other names: c.19C>A, p.Leu7Ile (NM_001282708.1, NM_001282709.1); short protein forms L7I.
Identifiers: ClinVar variation 1379679 (VCV001379679.4), dbSNP rs1405646585, ClinGen allele CA375245892.

ClinVar aggregate classification (germline): Uncertain significance (1 of 4 stars; one submission).

Allele frequency attached by ClinVar (database versions not stated): TOPMed below 0.00001; gnomAD 0.00001.
gnomAD v4.1: 3 of 1,608,990 alleles (0.00019%); highest among the groups gnomAD compares: Non-Finnish European, 0.00025%; no homozygotes.

Submission:

Labcorp Genetics (formerly Invitae), Labcorp
Classification: Uncertain significance. Last evaluated: 2023-10-03. Review status: criteria provided, single submitter. Criteria: Invitae Variant Classification Sherloc (09022015). Collection method: clinical testing. Allele origin: germline.
Comment: This sequence change replaces leucine, which is neutral and non-polar, with isoleucine, which is neutral and non-polar, at codon 7 of the EXOSC2 protein (p.Leu7Ile). This variant is not present in population databases (gnomAD no frequency). This variant has not been reported in the literature in individuals affected with EXOSC2-related conditions. ClinVar contains an entry for this variant (Variation ID: 1379679). An algorithm developed to predict the effect of missense changes on protein structure and function (PolyPhen-2) suggests that this variant is likely to be disruptive. In summary, the available evidence is currently insufficient to determine the role of this variant in disease. Therefore, it has been classified as a Variant of Uncertain Significance.